The following is an entry in ClinVar:

ClinVar aggregate classification (germline): Uncertain significance (1 of 4 stars; one submission).

Conditions:
Pitt-Hopkins-like syndrome 2 (PTHSL2). Identifiers: Orphanet 221150, Orphanet 600663, MedGen C3280479, MONDO:0013690, OMIM 614325.

Allele frequency attached by ClinVar (database versions not stated): gnomAD exomes 0.00001.
gnomAD v4.1: 12 of 1,613,868 alleles (0.00074%); highest among the groups gnomAD compares: East Asian, 0.0022%; no homozygotes.

Submission:

Labcorp Genetics (formerly Invitae), Labcorp
Classification: Uncertain significance for Pitt-Hopkins-like syndrome 2. Last evaluated: 2025-10-01. Review status: criteria provided, single submitter. Criteria: Invitae Variant Classification Sherloc (09022015). Collection method: clinical testing. Allele origin: germline.
Comment: This sequence change replaces alanine, which is neutral and non-polar, with threonine, which is neutral and polar, at codon 918 of the NRXN1 protein (p.Ala918Thr). This variant is not present in population databases (gnomAD no frequency). This variant has not been reported in the literature in individuals affected with NRXN1-related conditions. ClinVar contains an entry for this variant (Variation ID: 2709701). An algorithm developed to predict the effect of missense changes on protein structure and function (PolyPhen-2) suggests that this variant is likely to be tolerated. In summary, the available evidence is currently insufficient to determine the role of this variant in disease. Therefore, it has been classified as a Variant of Uncertain Significance.

NM_001330078.2(NRXN1):c.2632G>A (p.Ala878Thr)

Gene: NRXN1 (neurexin 1; minus strand). Cytogenetic location: 2p16.3.
Variant type: single nucleotide variant.
Coding change: c.2632G>A on transcript NM_001330078.2 (MANE Select); coding-DNA position 2632, G replaced by A.
Protein change: p.Ala878Thr; replaces alanine 878 with threonine.
Molecular consequence: missense variant.
Genome position (GRCh38, 1-based): chr2:50,497,580, C>T on the plus strand (G>A on the coding strand, the complement: NRXN1 is on the minus strand). VCF-style: chr2-50497580-C-T. GRCh37 (hg19) VCF-style: chr2-50724718-C-T.
Other names: c.2752G>A, p.Ala918Thr (NM_001135659.3); c.2608G>A, p.Ala870Thr (NM_001330077.2, NM_001330082.2); c.2566G>A, p.Ala856Thr (NM_001330083.2, NM_001330084.2); c.2605G>A, p.Ala869Thr (NM_001330085.2); c.2632G>A, p.Ala878Thr (NM_001330086.2, NM_004801.6); c.2629G>A, p.Ala877Thr (NM_001330093.2); c.2620G>A, p.Ala874Thr (NM_001330094.2); c.2521G>A, p.Ala841Thr (NM_001330087.2, NM_001330096.2); and 2 more; short protein forms A841T, A856T, A861T, A877T, A869T, A870T, A874T, A851T.
Identifiers: ClinVar variation 2709701 (VCV002709701.3), dbSNP rs1371802200, ClinGen allele CA346777222.